The following is an entry in ClinVar:

NM_001384140.1(PCDH15):c.481C>G (p.Pro161Ala)

Gene: PCDH15 (protocadherin related 15; minus strand). Cytogenetic location: 10q21.1.
Variant type: single nucleotide variant.
Coding change: c.481C>G on transcript NM_001384140.1 (MANE Select); coding-DNA position 481, C replaced by G.
Protein change: p.Pro161Ala; replaces proline 161 with alanine.
Molecular consequence: missense variant.
Genome position (GRCh38, 1-based): chr10:54,346,478, G>C on the plus strand (C>G on the coding strand, the complement: PCDH15 is on the minus strand). VCF-style: chr10-54346478-G-C. GRCh37 (hg19) VCF-style: chr10-56106238-G-C.
Other names: c.496C>G, p.Pro166Ala (NM_001142763.2, NM_001142769.4, NM_001142771.2); c.481C>G, p.Pro161Ala (NM_001142764.2, NM_001142765.2, NM_001142766.2 and 8 more transcripts); c.415C>G, p.Pro139Ala (NM_001142768.2, NM_001142773.2, NM_001354404.2); short protein forms P139A, P161A, P166A.
Identifiers: ClinVar variation 2421760 (VCV002421760.2), dbSNP rs781154416, ClinGen allele CA5506670.

ClinVar aggregate classification (germline): Uncertain significance (1 of 4 stars; one submission).

Allele frequency attached by ClinVar (database versions not stated): ExAC 0.00001.
gnomAD v4.1: 2 of 1,613,692 alleles (0.00012%); highest among the groups gnomAD compares: Non-Finnish European, 0.00017%; no homozygotes.

Submission:

Labcorp Genetics (formerly Invitae), Labcorp
Classification: Uncertain significance. Last evaluated: 2022-04-07. Review status: criteria provided, single submitter. Criteria: Invitae Variant Classification Sherloc (09022015). Collection method: clinical testing. Allele origin: germline.
Comment: This sequence change replaces proline, which is neutral and non-polar, with alanine, which is neutral and non-polar, at codon 161 of the PCDH15 protein (p.Pro161Ala). This variant is present in population databases (rs781154416, gnomAD 0.0009%). This variant has not been reported in the literature in individuals affected with PCDH15-related conditions. Algorithms developed to predict the effect of missense changes on protein structure and function are either unavailable or do not agree on the potential impact of this missense change (SIFT: "Deleterious"; PolyPhen-2: "Probably Damaging"; Align-GVGD: "Class C0"). In summary, the available evidence is currently insufficient to determine the role of this variant in disease. Therefore, it has been classified as a Variant of Uncertain Significance.